The following is an entry in ClinVar:

NM_000038.6(APC):c.2342C>A (p.Pro781His)

Gene: APC (APC regulator of Wnt signaling pathway; plus strand). Cytogenetic location: 5q22.2.
Variant type: single nucleotide variant.
Coding change: c.2342C>A on transcript NM_000038.6 (MANE Select); coding-DNA position 2342, C replaced by A.
Protein change: p.Pro781His; replaces proline 781 with histidine.
Molecular consequence: missense variant.
Genome position (GRCh38, 1-based): chr5:112,837,936, C>A. VCF-style: chr5-112837936-C-A. GRCh37 (hg19) VCF-style: chr5-112173633-C-A.
Other names: c.2396C>A, p.Pro799His (NM_001354896.2); c.2372C>A, p.Pro791His (NM_001354897.2); c.2267C>A, p.Pro756His (NM_001354898.2); c.2258C>A, p.Pro753His (NM_001354899.2); c.2219C>A, p.Pro740His (NM_001354900.2); c.2165C>A, p.Pro722His (NM_001354901.2); c.2069C>A, p.Pro690His (NM_001354902.2); c.2039C>A, p.Pro680His (NM_001354903.2); and 5 more; short protein forms P498H, P621H, P655H, P680H, P690H, P722H, P740H, P753H.
Identifiers: ClinVar variation 1059627 (VCV001059627.10), dbSNP rs2149866882, ClinGen allele CA16026473.

ClinVar aggregate classification (germline): Uncertain significance (1 of 4 stars; one submission).

Conditions:
Familial adenomatous polyposis 1 (FAP1). Also called: FAMILIAL ADENOMATOUS POLYPOSIS 1, ATTENUATED; POLYPOSIS, ADENOMATOUS INTESTINAL. Identifiers: MedGen C2713442, MONDO:0021056, OMIM 175100. Disease mechanism: loss of function.

Submission:

Labcorp Genetics (formerly Invitae), Labcorp
Classification: Uncertain significance for Familial adenomatous polyposis 1. Last evaluated: 2024-08-05. Review status: criteria provided, single submitter. Criteria: Invitae Variant Classification Sherloc (09022015). Collection method: clinical testing. Allele origin: germline.
Comment: This sequence change replaces proline, which is neutral and non-polar, with histidine, which is basic and polar, at codon 781 of the APC protein (p.Pro781His). This variant is not present in population databases (gnomAD no frequency). This variant has not been reported in the literature in individuals affected with APC-related conditions. ClinVar contains an entry for this variant (Variation ID: 1059627). Advanced modeling of protein sequence and biophysical properties (such as structural, functional, and spatial information, amino acid conservation, physicochemical variation, residue mobility, and thermodynamic stability) performed at Invitae indicates that this missense variant is not expected to disrupt APC protein function with a negative predictive value of 95%. In summary, the available evidence is currently insufficient to determine the role of this variant in disease. Therefore, it has been classified as a Variant of Uncertain Significance.